The following is an entry in ClinVar:

NM_000159.4(GCDH):c.304G>T (p.Glu102Ter)

Gene: GCDH (glutaryl-CoA dehydrogenase; plus strand). Cytogenetic location: 19p13.13.
Variant type: single nucleotide variant.
Coding change: c.304G>T on transcript NM_000159.4 (MANE Select); coding-DNA position 304, G replaced by T.
Protein change: p.Glu102Ter; replaces glutamic acid 102 with a stop codon.
Molecular consequence: nonsense. On other transcripts: non-coding transcript variant (1).
Genome position (GRCh38, 1-based): chr19:12,892,148, G>T. VCF-style: chr19-12892148-G-T. GRCh37 (hg19) VCF-style: chr19-13002962-G-T.
Other names: c.304G>T, p.Glu102Ter (NM_013976.5); short protein forms E102*.
Identifiers: ClinVar variation 984311 (VCV000984311.3), dbSNP rs976647697, ClinGen allele CA404315986.

ClinVar aggregate classification (germline): Likely pathogenic (1 of 4 stars; one submission).

Conditions:
Glutaric aciduria, type 1. Also called: Glutaricaciduria, type I; GA I; Glutaric acidemia type I; Glutaricacidemia Type 1; Glutaryl-CoA dehydrogenase deficiency; Glutaric Acidemia Type 1. Identifiers: Orphanet 25, MedGen C0268595, MONDO:0009281, OMIM 231670.

Allele frequency attached by ClinVar (database versions not stated): TOPMed 0.00001.

Submission:

Myriad Genetics, Inc.
Classification: Likely pathogenic for Glutaric aciduria, type 1. Last evaluated: 2019-03-06. Review status: criteria provided, single submitter. Criteria: Myriad Women's Health Autosomal Recessive and X-Linked Classification Criteria (2019). Collection method: clinical testing. Allele origin: unknown.
Comment: NM_000159.2(GCDH):c.304G>T(E102*) is expected to be pathogenic in the context of glutaric acidemia, GCDH-related. This variant is predicted to lead to an abnormal or absent protein product due to the creation of a premature termination codon in GCDH, a gene where loss-of-function variants are known to be pathogenic. Please note: this variant was assessed in the context of healthy population screening.